The following is an entry in ClinVar:

ClinVar aggregate classification (germline): Uncertain significance (1 of 4 stars; one submission).

Conditions:
Chédiak-Higashi syndrome (CHS). Also called: Chediak-Higashi Syndrome. Identifiers: Orphanet 167, MedGen C0007965, MONDO:0008963, OMIM 214500.

gnomAD v4.1: 1 of 1,613,896 alleles (0.000062%); highest among the groups gnomAD compares: Non-Finnish European, 0.000085%; no homozygotes.

Submission:

Labcorp Genetics (formerly Invitae), Labcorp
Classification: Uncertain significance for Chédiak-Higashi syndrome. Last evaluated: 2025-09-21. Review status: criteria provided, single submitter. Criteria: Invitae Variant Classification Sherloc (09022015). Collection method: clinical testing. Allele origin: germline.
Comment: This sequence change replaces proline, which is neutral and non-polar, with leucine, which is neutral and non-polar, at codon 462 of the LYST protein (p.Pro462Leu). This variant is not present in population databases (gnomAD no frequency). This variant has not been reported in the literature in individuals affected with LYST-related conditions. Invitae Evidence Modeling of protein sequence and biophysical properties (such as structural, functional, and spatial information, amino acid conservation, physicochemical variation, residue mobility, and thermodynamic stability) indicates that this missense variant is not expected to disrupt LYST protein function with a negative predictive value of 80%. In summary, the available evidence is currently insufficient to determine the role of this variant in disease. Therefore, it has been classified as a Variant of Uncertain Significance.

NM_000081.4(LYST):c.1385C>T (p.Pro462Leu)

Gene: LYST (lysosomal trafficking regulator; minus strand). Cytogenetic location: 1q42.3.
Variant type: single nucleotide variant.
Coding change: c.1385C>T on transcript NM_000081.4 (MANE Select); coding-DNA position 1385, C replaced by T.
Protein change: p.Pro462Leu; replaces proline 462 with leucine.
Molecular consequence: missense variant.
Genome position (GRCh38, 1-based): chr1:235,809,433, G>A on the plus strand (C>T on the coding strand, the complement: LYST is on the minus strand). VCF-style: chr1-235809433-G-A. GRCh37 (hg19) VCF-style: chr1-235972733-G-A.
Other names: c.1385C>T, p.Pro462Leu (NM_001301365.1); short protein forms P462L.
Identifiers: ClinVar variation 4797355 (VCV004797355.1).